The following is an entry in ClinVar:

ClinVar aggregate classification (germline): Uncertain significance (1 of 4 stars; one submission).

Conditions:
TTN-related disorder. Also called: TTN-related disorders; TTN-related condition; TTN-related disease.

gnomAD v4.1: 1 of 1,613,464 alleles (0.000062%); highest among the groups gnomAD compares: Middle Eastern, 0.017%; no homozygotes.

Submission:

PreventionGenetics, part of Exact Sciences
Classification: Uncertain significance for TTN-related condition. Last evaluated: 2026-02-24. Review status: criteria provided, single submitter. Criteria: ACMG Guidelines, 2015. Collection method: clinical testing. Allele origin: germline.
Comment: The TTN c.41184G>C variant is predicted to result in the amino acid substitution p.Glu13728Asp. To our knowledge, this variant has not been reported in the literature or in a large population database (gnomAD), indicating this variant is rare. At this time, the clinical significance of this variant is uncertain due to the absence of conclusive functional and genetic evidence.

NM_001267550.2(TTN):c.41184G>C (p.Glu13728Asp)

Gene: TTN (titin; minus strand). Cytogenetic location: 2q31.2.
Variant type: single nucleotide variant.
Coding change: c.41184G>C on transcript NM_001267550.2 (MANE Select); coding-DNA position 41184, G replaced by C.
Protein change: p.Glu13728Asp; replaces glutamic acid 13728 with aspartic acid.
Molecular consequence: missense variant.
Genome position (GRCh38, 1-based): chr2:178,636,543, C>G on the plus strand (G>C on the coding strand, the complement: TTN is on the minus strand). VCF-style: chr2-178636543-C-G. GRCh37 (hg19) VCF-style: chr2-179501270-C-G.
Other names: c.36261G>C, p.Glu12087Asp (NM_001256850.1); c.13989G>C, p.Glu4663Asp (NM_003319.4); c.33480G>C, p.Glu11160Asp (NM_133378.4); c.14364G>C, p.Glu4788Asp (NM_133432.3); c.14565G>C, p.Glu4855Asp (NM_133437.4); short protein forms E13728D, E4788D, E11160D, E12087D, E4663D, E4855D.
Identifiers: ClinVar variation 4982821 (VCV004982821.1).